The following is an entry in ClinVar:

ClinVar aggregate classification (germline): Benign/Likely benign. Review status: criteria provided, multiple submitters, no conflicts (2 of 4 stars). 7 submissions from 7 submitters: Benign (1); Likely benign (3). 3 of the submissions do not count toward it. Last evaluated 2025-12-29.

Conditions:
TOPORS-related disorder. Also called: TOPORS-related condition.
Retinitis pigmentosa (RP). Identifiers: Orphanet 791, MedGen C0035334, MeSH D012174, MONDO:0019200, OMIM 268000. Inheritance: Autosomal dominant, autosomal recessive and X linked inheritance.

Allele frequency attached by ClinVar (database versions not stated): ESP Exome Variant Server 0.00008; gnomAD 0.00009 and 0.00017; TOPMed 0.00011; 1000 Genomes Project 0.00040; 1000 Genomes Project 30x 0.00047; gnomAD exomes 0.00047; ExAC 0.00051.
gnomAD v4.1: 389 of 1,614,192 alleles (0.024%); highest among the groups gnomAD compares: South Asian, 0.29%; 5 homozygotes.

Submissions (7):

Labcorp Genetics (formerly Invitae), Labcorp
Classification: Benign. Last evaluated: 2025-12-29. Review status: criteria provided, single submitter. Criteria: Invitae Variant Classification Sherloc (09022015). Collection method: clinical testing. Allele origin: germline.

Blueprint Genetics
Classification: Likely benign. Last evaluated: 2024-02-28. Review status: criteria provided, single submitter. Criteria: ACMG Guidelines, 2015. Collection method: clinical testing. Allele origin: germline.

Illumina Laboratory Services, Illumina
Classification: Likely benign for Retinitis pigmentosa. Last evaluated: 2018-01-13. Review status: criteria provided, single submitter. Criteria: ICSL Variant Classification Criteria 13 December 2019. Collection method: clinical testing. Allele origin: germline.
Comment: This variant was observed in the ICSL laboratory as part of a predisposition screen in an ostensibly healthy population. It had not been previously curated by ICSL or reported in the Human Gene Mutation Database (HGMD: prior to June 1st, 2018), and was therefore a candidate for classification through an automated scoring system. Utilizing variant allele frequency, disease prevalence and penetrance estimates, and inheritance mode, an automated score was calculated to assess if this variant is too frequent to cause the disease. Based on the score and internal cut-off values, a variant classified as likely benign is not then subjected to further curation. The score for this variant resulted in a classification of likely benign for this disease.

Eurofins Ntd Llc (ga)
Classification: Likely benign. Last evaluated: 2017-03-27. Review status: criteria provided, single submitter. Criteria: EGL Classification Definitions 2015. Collection method: clinical testing. Allele origin: germline. Observed: 1 variant allele, 1 heterozygote.

PreventionGenetics, part of Exact Sciences
Classification: Likely benign for TOPORS-related condition. Last evaluated: 2020-03-26. Review status: no assertion criteria provided. Collection method: clinical testing. Allele origin: germline. Not counted in ClinVar's aggregate classification.
Comment: This variant is classified as likely benign based on ACMG/AMP sequence variant interpretation guidelines (Richards et al. 2015 PMID: 25741868, with internal and published modifications).

Clinical Genetics DNA and cytogenetics Diagnostics Lab, Erasmus MC, Erasmus Medical Center
Classification: Likely benign. Review status: no assertion criteria provided. Collection method: clinical testing. Allele origin: germline. Affected: yes. Study: VKGL Data-share Consensus. Not counted in ClinVar's aggregate classification.

Clinical Genetics, Academic Medical Center
Classification: Likely benign. Review status: no assertion criteria provided. Collection method: clinical testing. Allele origin: germline. Affected: yes. Study: VKGL Data-share Consensus. Not counted in ClinVar's aggregate classification.

NM_005802.5(TOPORS):c.2314C>T (p.Leu772=)

Gene: TOPORS (TOP1 binding arginine/serine rich protein, E3 ubiquitin ligase; minus strand). Cytogenetic location: 9p21.1.
Variant type: single nucleotide variant.
Coding change: c.2314C>T on transcript NM_005802.5 (MANE Select); coding-DNA position 2314, C replaced by T.
Protein change: p.Leu772=; no amino-acid change (leucine 772 retained).
Molecular consequence: synonymous variant.
Genome position (GRCh38, 1-based): chr9:32,542,211, G>A on the plus strand (C>T on the coding strand, the complement: TOPORS is on the minus strand). VCF-style: chr9-32542211-G-A. GRCh37 (hg19) VCF-style: chr9-32542209-G-A.
Other names: c.2119C>T, p.Leu707= (NM_001195622.2).
Identifiers: ClinVar variation 366566 (VCV000366566.25), dbSNP rs371017482, ClinGen allele CA5020389.